The following is an entry in ClinVar:

ClinVar aggregate classification (germline): Uncertain significance. Review status: criteria provided, multiple submitters, no conflicts (2 of 4 stars). 3 submissions from 3 submitters: Uncertain significance (3). Last evaluated 2025-10-31.

Conditions:
Distal myopathy with posterior leg and anterior hand involvement. Also called: WILLIAMS DISTAL MYOPATHY. Identifiers: Orphanet 63273, MedGen C3279722, MONDO:0013550, OMIM 614065.
Hypertrophic cardiomyopathy 26. Also called: Cardiomyopathy, familial hypertrophic, 26. Identifiers: Orphanet 75249, MedGen C4310749, MONDO:0014883, OMIM 617047.
Myofibrillar myopathy 5. Also called: FILAMINOPATHY, AUTOSOMAL DOMINANT; Filaminopathy (type). Identifiers: Orphanet 171445, MedGen C1836050, MONDO:0012289, OMIM 609524.
Cardiovascular phenotype. Identifiers: MedGen CN230736.

Allele frequency attached by ClinVar (database versions not stated): gnomAD exomes below 0.00001; ExAC 0.00001; gnomAD 0.00001.
gnomAD v4.1: 8 of 1,613,920 alleles (0.0005%); highest among the groups gnomAD compares: East Asian, 0.018%; no homozygotes.

Submissions (3):

Dasa
Classification: Uncertain significance. Last evaluated: 2025-10-31. Review status: criteria provided, single submitter. Criteria: DASA Assertion Criteria. Collection method: clinical testing. Allele origin: germline.
Comment: NM_001458.5(FLNC):c.6340T>C (p.Phe2114Leu) is a missense variant that results in the substitution of phenylalanine with leucine. This variant is rare in population databases. Computational prediction algorithms are consistent with a deleterious effect. The currently available literature and clinical evidence are not sufficient to establish a definitive association between this variant and the reported condition. Therefore, this variant is classified as a variant of uncertain significance.

Labcorp Genetics (formerly Invitae), Labcorp
Classification: Uncertain significance for Distal myopathy with posterior leg and anterior hand involvement; Myofibrillar myopathy 5; Hypertrophic cardiomyopathy 26. Last evaluated: 2024-03-01. Review status: criteria provided, single submitter. Criteria: Invitae Variant Classification Sherloc (09022015). Collection method: clinical testing. Allele origin: germline.
Comment: This sequence change replaces phenylalanine, which is neutral and non-polar, with leucine, which is neutral and non-polar, at codon 2114 of the FLNC protein (p.Phe2114Leu). This variant is present in population databases (rs754957426, gnomAD 0.006%). This variant has not been reported in the literature in individuals affected with FLNC-related conditions. ClinVar contains an entry for this variant (Variation ID: 2335277). Advanced modeling of protein sequence and biophysical properties (such as structural, functional, and spatial information, amino acid conservation, physicochemical variation, residue mobility, and thermodynamic stability) has been performed at Invitae for this missense variant, however the output from this modeling did not meet the statistical confidence thresholds required to predict the impact of this variant on FLNC protein function. In summary, the available evidence is currently insufficient to determine the role of this variant in disease. Therefore, it has been classified as a Variant of Uncertain Significance.

Ambry Genetics
Classification: Uncertain significance for Cardiovascular phenotype. Last evaluated: 2022-12-15. Review status: criteria provided, single submitter. Criteria: Ambry Variant Classification Scheme 2023. Collection method: clinical testing. Allele origin: germline.

NM_001458.5(FLNC):c.6340T>C (p.Phe2114Leu)

Genes: FLNC (filamin C; plus strand), FLNC-AS1 (FLNC antisense RNA 1; minus strand). Cytogenetic location: 7q32.1.
Variant type: single nucleotide variant.
Coding change: c.6340T>C on transcript NM_001458.5 (MANE Select); coding-DNA position 6340, T replaced by C.
Protein change: p.Phe2114Leu; replaces phenylalanine 2114 with leucine.
Molecular consequence: missense variant.
Genome position (GRCh38, 1-based): chr7:128,853,600, T>C. VCF-style: chr7-128853600-T-C. GRCh37 (hg19) VCF-style: chr7-128493654-T-C.
Other names: c.6241T>C, p.Phe2081Leu (NM_001127487.2); short protein forms F2081L, F2114L.
Identifiers: ClinVar variation 2335277 (VCV002335277.7), dbSNP rs754957426, ClinGen allele CA4475946.